The following is an entry in ClinVar:

NM_001165963.4(SCN1A):c.3623G>C (p.Arg1208Thr)

Genes: SCN1A (sodium voltage-gated channel alpha subunit 1; minus strand), LOC102724058 (uncharacterized LOC102724058; plus strand). Cytogenetic location: 2q24.3.
Variant type: single nucleotide variant.
Coding change: c.3623G>C on transcript NM_001165963.4 (MANE Select); coding-DNA position 3623, G replaced by C.
Protein change: p.Arg1208Thr; replaces arginine 1208 with threonine.
Molecular consequence: missense variant. On other transcripts: non-coding transcript variant (1).
Genome position (GRCh38, 1-based): chr2:166,013,826, C>G on the plus strand (G>C on the coding strand, the complement: SCN1A is on the minus strand). VCF-style: chr2-166013826-C-G. GRCh37 (hg19) VCF-style: chr2-166870336-C-G.
Other names: c.3539G>C, p.Arg1180Thr (NM_001165964.3, NM_001353957.2, NM_001353958.2); c.3623G>C, p.Arg1208Thr (NM_001202435.3, NM_001353948.2); c.3590G>C, p.Arg1197Thr (NM_001353949.2, NM_001353950.2, NM_001353951.2 and 2 more transcripts); c.3587G>C, p.Arg1196Thr (NM_001353954.2, NM_001353955.2); c.3536G>C, p.Arg1179Thr (NM_001353960.2); c.1181G>C, p.Arg394Thr (NM_001353961.2); short protein forms R1179T, R1180T, R1196T, R1197T, R1208T, R394T.
Identifiers: ClinVar variation 1721401 (VCV001721401.5), dbSNP rs1559149025, ClinGen allele CA349056094.

ClinVar aggregate classification (germline): Uncertain significance (1 of 4 stars; one submission).

Conditions:
Early-infantile DEE. Also called: Early infantile epileptic encephalopathy with suppression bursts; Early infantile epileptic encephalopathy; Ohtahara syndrome. Identifiers: Orphanet 1934, MedGen C0393706, MONDO:0800491.

Submission:

Labcorp Genetics (formerly Invitae), Labcorp
Classification: Uncertain significance for Early-infantile DEE. Last evaluated: 2023-03-31. Review status: criteria provided, single submitter. Criteria: Invitae Variant Classification Sherloc (09022015). Collection method: clinical testing. Allele origin: germline.
Comment: This variant is not present in population databases (gnomAD no frequency). In summary, the available evidence is currently insufficient to determine the role of this variant in disease. Therefore, it has been classified as a Variant of Uncertain Significance. Advanced modeling of protein sequence and biophysical properties (such as structural, functional, and spatial information, amino acid conservation, physicochemical variation, residue mobility, and thermodynamic stability) performed at Invitae indicates that this missense variant is expected to disrupt SCN1A protein function. ClinVar contains an entry for this variant (Variation ID: 1721401). This variant has not been reported in the literature in individuals affected with SCN1A-related conditions. This sequence change replaces arginine, which is basic and polar, with threonine, which is neutral and polar, at codon 1208 of the SCN1A protein (p.Arg1208Thr).